The following is an entry in ClinVar:

ClinVar aggregate classification (germline): Conflicting classifications of pathogenicity. Review status: criteria provided, conflicting classifications (1 of 4 stars). 4 submissions from 4 submitters: Pathogenic (1); Likely pathogenic (1); Uncertain significance (2). Last evaluated 2025-02-19.

Conditions:
Congenital stationary night blindness. Also called: Early-onset non-progressive night blindness. Identifiers: Orphanet 215, MedGen C0339535, MONDO:0016293, HP:0007642.
Congenital stationary night blindness 1B. Also called: Night blindness, congenital stationary (complete), 1B, autosomal recessive; NIGHT BLINDNESS, CONGENITAL STATIONARY, COMPLETE, AUTOSOMAL RECESSIVE. Identifiers: Orphanet 215, MedGen C1850362, MONDO:0009758, OMIM 257270.

Submissions (4):

Labcorp Genetics (formerly Invitae), Labcorp
Classification: Pathogenic. Last evaluated: 2025-02-19. Review status: criteria provided, single submitter. Criteria: Invitae Variant Classification Sherloc (09022015). Collection method: clinical testing. Allele origin: germline.
Comment: This sequence change creates a premature translational stop signal (p.Ala738Glyfs*81) in the GRM6 gene. While this is not anticipated to result in nonsense mediated decay, it is expected to disrupt the last 140 amino acid(s) of the GRM6 protein. This variant is present in population databases (rs770025079, gnomAD 0.01%). This premature translational stop signal has been observed in individual(s) with night blindness (internal data). ClinVar contains an entry for this variant (Variation ID: 441099). This variant disrupts a region of the GRM6 protein in which other variant(s) (p.Gly756Asp) have been determined to be pathogenic (PMID: 22008250, 24715752, 26628857). This suggests that this is a clinically significant region of the protein, and that variants that disrupt it are likely to be disease-causing. For these reasons, this variant has been classified as Pathogenic.

Blueprint Genetics
Classification: Uncertain significance. Last evaluated: 2023-12-14. Review status: criteria provided, single submitter. Criteria: ACMG Guidelines, 2015. Collection method: clinical testing. Allele origin: germline.

Department of Pathology and Laboratory Medicine, Sinai Health System
Classification: Likely pathogenic for Congenital stationary night blindness 1B. Last evaluated: 2023-09-11. Review status: criteria provided, single submitter. Criteria: ACMG Guidelines, 2015. Collection method: research. Allele origin: germline.

Laboratory for Molecular Medicine, Mass General Brigham Personalized Medicine
Classification: Uncertain significance for Congenital stationary night blindness. Last evaluated: 2014-12-23. Review status: criteria provided, single submitter. Criteria: ACMG Guidelines, 2015. Collection method: clinical testing. Allele origin: germline. Inheritance: Autosomal recessive inheritance.
Comment: The p.Ala738GlyfsX81 variant in GRM6 has not been previously reported in individuals with disease, This variant has been identified in 0.01% (6/67536) of European chromosomes by the Exome Aggregation Consortium (ExAC). Although this variant has been seen in the general population, its frequency is not high enough to rule out a pathogenic role. This variant is predicted to cause a frameshift, which alters the protein’s amino acid sequence beginning at position 738 and leads to a premature termination codon 81 amino acids downstream. This alteration is then predicted to lead to a truncated protein with an abnormal terminal 81 amino acids. Loss of function variants in the GRM6 gene have been shown to cause autosomal recessive congenital stationary night blindness. In summary, while there is some suspicion for a pathogenic role, the clinical significance of the p.Ala738GlyfsX81 variant is uncertain.

Literature cited by the submitters: PubMed 22008250 (cited by Labcorp Genetics (formerly Invitae), Labcorp); PubMed 24715752 (cited by Labcorp Genetics (formerly Invitae), Labcorp); PubMed 26628857 (cited by Labcorp Genetics (formerly Invitae), Labcorp).

NM_000843.4(GRM6):c.2213_2219del (p.Ala738fs)

Genes: GRM6 (glutamate metabotropic receptor 6; minus strand), ZNF454 (zinc finger protein 454; plus strand). Cytogenetic location: 5q35.3.
Variant type: Deletion.
Coding change: c.2213_2219del on transcript NM_000843.4 (MANE Select); coding-DNA positions 2213 to 2219, 7 bases deleted (CCAGAGG; older notation c.2213_2219delCCAGAGG).
Protein change: p.Ala738fs; shifts the reading frame from alanine 738.
Molecular consequence: frameshift variant.
Genome position (GRCh38, 1-based): chr5:178,983,127-178,983,133, CCTCTGG deleted on the plus strand (CCAGAGG on the coding strand, the reverse complement: GRM6 is on the minus strand); deleting any 7 consecutive bases within chr5:178,983,127-178,983,136 gives the same sequence; the c. name uses the placement nearest the transcript's 3' end. VCF-style (leftmost placement, unchanged base first): chr5-178983126-CCCTCTGG-C. GRCh37 (hg19) VCF-style: chr5-178410127-CCCTCTGG-C.
Other names: short protein forms A738fs.
Identifiers: ClinVar variation 441099 (VCV000441099.10), dbSNP rs770025079, ClinGen allele CA3593599.
Genomic context (GRCh38, chr5:178,983,126, plus strand): 5'-CAGGAGGCTGTAGCCCAGGCAGCCGATGAGAGACAGATCCGACATGTCGCACTTGAGCAC[CCCTCTGG>C]CCTGCTCGGGGTCCACCGTCCGCTGTTCCTCATAGTCAATCACGCTGTGTGGGGGCCGGG-3'